The following is an entry in ClinVar:

NM_024496.4(IRF2BPL):c.233_253del (p.Val78_Ser84del)

Genes: IRF2BPL (interferon regulatory factor 2 binding protein like; minus strand), LOC107984638 (uncharacterized LOC107984638; plus strand). Cytogenetic location: 14q24.3.
Variant type: Deletion.
Coding change: c.233_253del on transcript NM_024496.4 (MANE Select); coding-DNA positions 233 to 253, 21 bases deleted (TCAAGACAGTGGCCCTGTCGG).
Protein change: p.Val78_Ser84del.
Molecular consequence: non-coding transcript variant (on NR_190000.1).
Genome position (GRCh38, 1-based): chr14:77,027,540-77,027,560, CCGACAGGGCCACTGTCTTGA deleted on the plus strand (TCAAGACAGTGGCCCTGTCGG on the coding strand, the reverse complement: IRF2BPL is on the minus strand); deleting any 21 consecutive bases within chr14:77,027,540-77,027,562 gives the same sequence; the c. name uses the placement nearest the transcript's 3' end. VCF-style (leftmost placement, unchanged base first): chr14-77027539-GCCGACAGGGCCACTGTCTTGA-G. GRCh37 (hg19) VCF-style: chr14-77493882-GCCGACAGGGCCACTGTCTTGA-G.
Identifiers: ClinVar variation 3376035 (VCV003376035.1).

ClinVar aggregate classification (germline): Uncertain significance (1 of 4 stars; one submission).

Submission:

GeneDx
Classification: Uncertain significance. Last evaluated: 2024-05-02. Review status: criteria provided, single submitter. Criteria: GeneDx Variant Classification Process June 2021. Collection method: clinical testing. Allele origin: germline. Affected: yes.
Comment: Not observed at significant frequency in large population cohorts (gnomAD); In-frame deletion of 7 amino acids in a non-repeat region; In silico analysis supports a deleterious effect on protein structure/function; Has not been previously published as pathogenic or benign to our knowledge